The following is an entry in ClinVar:

NM_001098.3(ACO2):c.167G>A (p.Arg56His)

Gene: ACO2 (aconitase 2; plus strand). Cytogenetic location: 22q13.2.
Variant type: single nucleotide variant.
Coding change: c.167G>A on transcript NM_001098.3 (MANE Select); coding-DNA position 167, G replaced by A.
Protein change: p.Arg56His; replaces arginine 56 with histidine.
Molecular consequence: missense variant.
Genome position (GRCh38, 1-based): chr22:41,499,856, G>A. VCF-style: chr22-41499856-G-A. GRCh37 (hg19) VCF-style: chr22-41895860-G-A.
Other names: short protein forms R56H.
Identifiers: ClinVar variation 1389810 (VCV001389810.8), dbSNP rs534016929, ClinGen allele CA10257290.

ClinVar aggregate classification (germline): Uncertain significance (1 of 4 stars; one submission).

Allele frequency attached by ClinVar (database versions not stated): gnomAD exomes below 0.00001 and 0.00001; TOPMed below 0.00001; ExAC 0.00001; gnomAD 0.00001 and 0.00002; 1000 Genomes Project 0.00040; 1000 Genomes Project 30x 0.00047.
gnomAD v4.1: 6 of 1,613,878 alleles (0.00037%); highest among the groups gnomAD compares: African/African-American, 0.0027%; no homozygotes.

Submission:

Labcorp Genetics (formerly Invitae), Labcorp
Classification: Uncertain significance. Last evaluated: 2022-10-23. Review status: criteria provided, single submitter. Criteria: Invitae Variant Classification Sherloc (09022015). Collection method: clinical testing. Allele origin: germline.
Comment: This sequence change replaces arginine, which is basic and polar, with histidine, which is basic and polar, at codon 56 of the ACO2 protein (p.Arg56His). This variant is present in population databases (rs534016929, gnomAD 0.007%). This variant has not been reported in the literature in individuals affected with ACO2-related conditions. ClinVar contains an entry for this variant (Variation ID: 1389810). Algorithms developed to predict the effect of missense changes on protein structure and function are either unavailable or do not agree on the potential impact of this missense change (SIFT: "Deleterious"; PolyPhen-2: "Benign"; Align-GVGD: "Class C0"). In summary, the available evidence is currently insufficient to determine the role of this variant in disease. Therefore, it has been classified as a Variant of Uncertain Significance.